The following is an entry in ClinVar:

ClinVar aggregate classification (germline): Likely benign. Review status: criteria provided, multiple submitters, no conflicts (2 of 4 stars). 2 submissions from 2 submitters: Likely benign (2). Last evaluated 2024-09-03.

Allele frequency attached by ClinVar (database versions not stated): TOPMed 0.00004; ExAC 0.00005; gnomAD 0.00009.
gnomAD v4.1: 120 of 1,611,626 alleles (0.0074%); highest among the groups gnomAD compares: Middle Eastern, 0.15%; no homozygotes.

Submissions (2):

Blueprint Genetics
Classification: Likely benign. Last evaluated: 2024-09-03. Review status: criteria provided, single submitter. Criteria: ACMG Guidelines, 2015. Collection method: clinical testing. Allele origin: germline.

CeGaT Center for Human Genetics Tuebingen
Classification: Likely benign. Last evaluated: 2022-07-01. Review status: criteria provided, single submitter. Criteria: CeGaT Center For Human Genetics Tuebingen Variant Classification Criteria Version 2. Collection method: clinical testing. Allele origin: germline. Affected: yes. Observed: 1 variant allele.
Comment: PUM1: BP4, BP7

NM_001020658.2(PUM1):c.1437C>T (p.Ala479=)

Gene: PUM1 (pumilio RNA binding family member 1; minus strand). Cytogenetic location: 1p35.2.
Variant type: single nucleotide variant.
Coding change: c.1437C>T on transcript NM_001020658.2 (MANE Select); coding-DNA position 1437, C replaced by T.
Protein change: p.Ala479=; no amino-acid change (alanine 479 retained).
Molecular consequence: synonymous variant.
Genome position (GRCh38, 1-based): chr1:30,974,720, G>A on the plus strand (C>T on the coding strand, the complement: PUM1 is on the minus strand). VCF-style: chr1-30974720-G-A. GRCh37 (hg19) VCF-style: chr1-31447567-G-A.
Other names: c.1437C>T, p.Ala479= (NM_014676.3).
Identifiers: ClinVar variation 2638597 (VCV002638597.25), dbSNP rs201789178, ClinGen allele CA729209.